The following is an entry in ClinVar:

NM_004453.4(ETFDH):c.1355del (p.Arg452fs)

Gene: ETFDH (electron transfer flavoprotein dehydrogenase; plus strand). Cytogenetic location: 4q32.1.
Variant type: Deletion.
Coding change: c.1355del on transcript NM_004453.4 (MANE Select); coding-DNA position 1355, one base deleted (G; older notation c.1355delG).
Protein change: p.Arg452fs; shifts the reading frame from arginine 452.
Molecular consequence: frameshift variant.
Genome position (GRCh38, 1-based): chr4:158,706,258, G deleted. VCF-style (leftmost placement, unchanged base first): chr4-158706257-AG-A. GRCh37 (hg19) VCF-style: chr4-159627409-AG-A.
Other names: c.1214del, p.Arg405fs (NM_001281737.2); c.1172del, p.Arg391fs (NM_001281738.1); short protein forms R391fs, R405fs, R452fs.
Identifiers: ClinVar variation 5019567 (VCV005019567.2).

ClinVar aggregate classification (germline): Pathogenic (1 of 4 stars; one submission).

Conditions:
Multiple acyl-CoA dehydrogenase deficiency (MADD). Also called: Glutaric Acidemia type 2; Glutaric aciduria, type 2; Glutaric acidemia type II; GA 2; ETHYLMALONIC-ADIPICACIDURIA; GA II. Identifiers: Orphanet 26791, MedGen C0268596, MONDO:0009282, OMIM 231680.

Submission:

Juno Genomics, Hangzhou Juno Genomics, Inc
Classification: Pathogenic for Multiple acyl-CoA dehydrogenase deficiency. Review status: criteria provided, single submitter. Criteria: ACMG Guidelines, 2015. Collection method: clinical testing. Allele origin: germline.
Comment: Absent from controls (or at extremely low frequency if recessive) in Genome Aggregation Database.;Null variant in a gene where loss of function (LOF) is a known mechanism of disease.;For recessive disorders, detected in trans with a pathogenic variant.